The following is an entry in ClinVar:

NM_000302.4(PLOD1):c.797G>A (p.Gly266Asp)

Gene: PLOD1 (procollagen-lysine,2-oxoglutarate 5-dioxygenase 1; plus strand). Cytogenetic location: 1p36.22.
Variant type: single nucleotide variant.
Coding change: c.797G>A on transcript NM_000302.4 (MANE Select); coding-DNA position 797, G replaced by A.
Protein change: p.Gly266Asp; replaces glycine 266 with aspartic acid.
Molecular consequence: missense variant.
Genome position (GRCh38, 1-based): chr1:11,957,897, G>A. VCF-style: chr1-11957897-G-A. GRCh37 (hg19) VCF-style: chr1-12017954-G-A.
Other names: c.938G>A, p.Gly313Asp (NM_001316320.2); short protein forms G313D, G266D.
Identifiers: ClinVar variation 1046753 (VCV001046753.12), dbSNP rs558752942, ClinGen allele CA598139.
Genomic context (GRCh38, chr1:11,957,897, plus strand): 5'-GACAGCTGCAGTTGAACTACCTGGGCAACTACATCCCGCGCTTCTGGACCTTCGAAACAG[G>A]CTGCACCGTGTGTGACGAAGGCTTGCGCAGCCTCAAGGGCATTGGGGTGAGGCTGCGCCC-3'
Protein context (NP_000293.2, residues 256-276): YIPRFWTFET[Gly266Asp]CTVCDEGLRS

ClinVar aggregate classification (germline): Uncertain significance. Review status: criteria provided, multiple submitters, no conflicts (2 of 4 stars). 5 submissions from 5 submitters: Uncertain significance (5). Last evaluated 2026-07-24.

Conditions:
Familial thoracic aortic aneurysm and aortic dissection (TAAD). Also called: Thoracic aortic aneurysms and dissections. Identifiers: Orphanet 91387, MedGen C4707243, MONDO:0019625.
Ehlers-Danlos syndrome, kyphoscoliotic type 1 (EDSKSCL1). Also called: Ehlers-Danlos syndrome, hydroxylysine-deficient; EHLERS-DANLOS SYNDROME, OCULAR-SCOLIOTIC TYPE; EHLERS-DANLOS SYNDROME, TYPE VIA; PLOD1-Related Kyphoscoliotic Ehlers-Danlos Syndrome. Identifiers: Orphanet 1900, MedGen C0268342, MONDO:0016002, OMIM 225400. Disease mechanism: loss of function.

Allele frequency attached by ClinVar (database versions not stated): 1000 Genomes Project 0.00020; gnomAD exomes 0.00001 and 0.00003; gnomAD 0.00002 and 0.00001; 1000 Genomes Project 30x 0.00016; TOPMed 0.00001; ExAC 0.00004.
gnomAD v4.1: 14 of 1,614,078 alleles (0.00087%); highest among the groups gnomAD compares: East Asian, 0.025%; no homozygotes.

Submissions (5):

Ambry Genetics
Classification: Uncertain significance for Familial thoracic aortic aneurysm and aortic dissection. Last evaluated: 2026-07-24. Review status: criteria provided, single submitter. Criteria: Ambry Variant Classification Scheme 2023. Collection method: clinical testing. Allele origin: germline.
Comment: The p.G266D variant (also known as c.797G>A), located in coding exon 8 of the PLOD1 gene, results from a G to A substitution at nucleotide position 797. The glycine at codon 266 is replaced by aspartic acid, an amino acid with similar properties. This amino acid position is conserved. In addition, this alteration is predicted to be deleterious by in silico analysis. Based on the available evidence, the clinical significance of this variant remains unclear.

Women's Health and Genetics/Laboratory Corporation of America, LabCorp
Classification: Uncertain significance. Last evaluated: 2025-06-23. Review status: criteria provided, single submitter. Criteria: LabCorp Variant Classification Summary - May 2015. Collection method: clinical testing. Allele origin: germline.
Comment: Variant summary: PLOD1 c.797G>A (p.Gly266Asp) results in a non-conservative amino acid change in the encoded protein sequence. Algorithms developed to predict the effect of missense changes on protein structure and function all suggest that this variant is likely to be disruptive. The variant allele was found at a frequency of 2.8e-05 in 251460 control chromosomes (gnomAD). The available data on variant occurrences in the general population are insufficient to allow any conclusion about variant significance. To our knowledge, no occurrence of c.797G>A in individuals affected with Ehlers-Danlos syndrome, kyphoscoliotic type 1 and no experimental evidence demonstrating its impact on protein function have been reported. ClinVar contains an entry for this variant (Variation ID: 1046753). Based on the evidence outlined above, the variant was classified as uncertain significance.

Labcorp Genetics (formerly Invitae), Labcorp
Classification: Uncertain significance for Ehlers-Danlos syndrome, kyphoscoliotic type 1. Last evaluated: 2024-12-12. Review status: criteria provided, single submitter. Criteria: Invitae Variant Classification Sherloc (09022015). Collection method: clinical testing. Allele origin: germline.
Comment: This sequence change replaces glycine, which is neutral and non-polar, with aspartic acid, which is acidic and polar, at codon 266 of the PLOD1 protein (p.Gly266Asp). This variant is present in population databases (rs558752942, gnomAD 0.03%). This variant has not been reported in the literature in individuals affected with PLOD1-related conditions. ClinVar contains an entry for this variant (Variation ID: 1046753). Invitae Evidence Modeling of protein sequence and biophysical properties (such as structural, functional, and spatial information, amino acid conservation, physicochemical variation, residue mobility, and thermodynamic stability) has been performed for this missense variant. However, the output from this modeling did not meet the statistical confidence thresholds required to predict the impact of this variant on PLOD1 protein function. In summary, the available evidence is currently insufficient to determine the role of this variant in disease. Therefore, it has been classified as a Variant of Uncertain Significance.

Revvity Omics, Revvity
Classification: Uncertain significance for Ehlers-Danlos syndrome, kyphoscoliotic type 1. Last evaluated: 2020-03-30. Review status: criteria provided, single submitter. Criteria: ACMG Guidelines, 2015. Collection method: clinical testing. Allele origin: germline.

GeneDx
Classification: Uncertain significance. Last evaluated: 2019-10-14. Review status: criteria provided, single submitter. Criteria: GeneDx Variant Classification Process June 2021. Collection method: clinical testing. Allele origin: germline. Affected: yes.
Comment: Has not been previously published as pathogenic or benign to our knowledge; In silico analysis, which includes protein predictors and evolutionary conservation, supports a deleterious effect